The following is an entry in ClinVar:

NM_012309.5(SHANK2):c.2533C>T (p.Arg845Ter)

Gene: SHANK2 (SH3 and multiple ankyrin repeat domains 2; minus strand). Cytogenetic location: 11q13.3.
Variant type: single nucleotide variant.
Coding change: c.2533C>T on transcript NM_012309.5 (MANE Select); coding-DNA position 2533, C replaced by T.
Protein change: p.Arg845Ter; replaces arginine 845 with a stop codon.
Molecular consequence: nonsense.
Genome position (GRCh38, 1-based): chr11:70,490,294, G>A on the plus strand (C>T on the coding strand, the complement: SHANK2 is on the minus strand). VCF-style: chr11-70490294-G-A. GRCh37 (hg19) VCF-style: chr11-70336399-G-A.
Other names: c.2533C>T (NM_012309.3); c.1396C>T, p.Arg466Ter (NM_001379226.1); c.769C>T, p.Arg257Ter (NM_133266.5); short protein forms R257*, R466*, R845*.
Identifiers: ClinVar variation 978856 (VCV000978856.4), dbSNP rs2058867660, ClinGen allele CA381690665.
Genomic context (GRCh38, chr11:70,490,294, plus strand): 5'-AGCCCAGGGGCAACTTCTGTGGGGGAGTGCCACACTTCTTACCTATTGATTTCTGCCTTC[G>A]CATCGTACCTCGAGGGATGCCCAGAAACGGGGCTTTTGGGCTCCCAGGAACAGTGGGCGT-3'

ClinVar aggregate classification (germline): Conflicting classifications of pathogenicity. Review status: criteria provided, conflicting classifications (1 of 4 stars). 3 submissions from 3 submitters: Pathogenic (2); Uncertain significance (1). Last evaluated 2026-08-13.

Conditions:
Intellectual disability. Also called: Intellectual developmental disorder; intellectual disabilities; Intellectual functioning disability. Identifiers: MedGen C3714756, MeSH D008607, MONDO:0001071, HP:0001249.
Autism, susceptibility to, 17. Also called: Autism susceptibility 17. Identifiers: MedGen C3150693, MONDO:0013265, OMIM 613436.

Submissions (3):

Institute of Human Genetics, University of Leipzig Medical Center
Classification: Pathogenic for Autism, susceptibility to, 17. Last evaluated: 2026-08-13. Review status: criteria provided, single submitter. Criteria: ACMG Guidelines, 2015. Collection method: clinical testing. Allele origin: unknown. Inheritance: Autosomal dominant inheritance. Affected: yes.
Comment: Criteria applied: PVS1,PM2,PS2_MOD,PS4_MOD

GeneDx
Classification: Pathogenic. Last evaluated: 2025-01-30. Review status: criteria provided, single submitter. Criteria: GeneDx Variant Classification Process June 2021. Collection method: clinical testing. Allele origin: germline.
Comment: Nonsense variant predicted to result in protein truncation or nonsense mediated decay in a gene for which loss of function is a known mechanism of disease; Not observed at significant frequency in large population cohorts (gnomAD); This variant is associated with the following publications: (PMID: 36475376, 36035117)

Diagnostic Laboratory, Strasbourg University Hospital
Classification: Uncertain significance for Intellectual disability. Last evaluated: 2020-04-20. Review status: criteria provided, single submitter. Criteria: ACMG Guidelines, 2015. Collection method: clinical testing. Allele origin: de novo. Inheritance: Autosomal dominant inheritance. Affected: yes. Observed: 1 heterozygote.